The following is an entry in ClinVar:

ClinVar aggregate classification (germline): Uncertain significance (1 of 4 stars; one submission).

gnomAD v4.1: 59 of 1,613,866 alleles (0.0037%); highest among the groups gnomAD compares: Non-Finnish European, 0.005%; no homozygotes.

Submission:

Labcorp Genetics (formerly Invitae), Labcorp
Classification: Uncertain significance. Last evaluated: 2025-12-19. Review status: criteria provided, single submitter. Criteria: Invitae Variant Classification Sherloc (09022015). Collection method: clinical testing. Allele origin: germline.
Comment: This sequence change replaces threonine, which is neutral and polar, with proline, which is neutral and non-polar, at codon 2051 of the RP1 protein (p.Thr2051Pro). This variant is present in population databases (rs761301424, gnomAD 0.004%). This variant has not been reported in the literature in individuals affected with RP1-related conditions. ClinVar contains an entry for this variant (Variation ID: 3618508). An algorithm developed to predict the effect of missense changes on protein structure and function (PolyPhen-2) suggests that this variant is likely to be tolerated. In summary, the available evidence is currently insufficient to determine the role of this variant in disease. Therefore, it has been classified as a Variant of Uncertain Significance.

NM_006269.2(RP1):c.6151A>C (p.Thr2051Pro)

Gene: RP1 (RP1 axonemal microtubule associated; plus strand). Cytogenetic location: 8q12.1.
Variant type: single nucleotide variant.
Coding change: c.6151A>C on transcript NM_006269.2 (MANE Select); coding-DNA position 6151, A replaced by C.
Protein change: p.Thr2051Pro; replaces threonine 2051 with proline.
Molecular consequence: missense variant. On other transcripts: intron variant (1).
Genome position (GRCh38, 1-based): chr8:54,630,033, A>C. VCF-style: chr8-54630033-A-C. GRCh37 (hg19) VCF-style: chr8-55542593-A-C.
Other names: c.787+7745A>C (NM_001375654.1); short protein forms T2051P.
Identifiers: ClinVar variation 3618508 (VCV003618508.2).
Genomic context (GRCh38, chr8:54,630,033, plus strand): 5'-AGGTTTTGTATGAATTTCTTGCACACATCATTGTTAGTTGTGGGTAATGTGGATTCAAAT[A>C]CACAAGACCTCAGCGGTCAGACAAATGAAATCTTTAAAGCAGTCGATGAGAATAACAACT-3'
Protein context (NP_006260.1, residues 2041-2061): LLVVGNVDSN[Thr2051Pro]QDLSGQTNEI